The following is an entry in ClinVar:

NM_201384.3(PLEC):c.4766C>T (p.Thr1589Met)

Gene: PLEC (plectin; minus strand). Cytogenetic location: 8q24.3.
Variant type: single nucleotide variant.
Coding change: c.4766C>T on transcript NM_201384.3 (MANE Select); coding-DNA position 4766, C replaced by T.
Protein change: p.Thr1589Met; replaces threonine 1589 with methionine.
Molecular consequence: missense variant. On other transcripts: intron variant (1).
Genome position (GRCh38, 1-based): chr8:143,925,163, G>A on the plus strand (C>T on the coding strand, the complement: PLEC is on the minus strand). VCF-style: chr8-143925163-G-A. GRCh37 (hg19) VCF-style: chr8-144999331-G-A.
Other names: c.4847C>T, p.Thr1616Met (NM_000445.5); c.4724C>T, p.Thr1575Met (NM_201378.4); c.4700C>T, p.Thr1567Met (NM_201379.3); c.5177C>T, p.Thr1726Met (NM_201380.4); c.4670C>T, p.Thr1557Met (NM_201381.3); c.4766C>T, p.Thr1589Met (NM_201382.4); c.4778C>T, p.Thr1593Met (NM_201383.3); c.4125+1621C>T (NM_001410941.1); short protein forms T1575M, T1589M, T1593M, T1726M, T1557M, T1616M, T1567M.
Identifiers: ClinVar variation 2929823 (VCV002929823.3), dbSNP rs781834088, ClinGen allele CA4926546.
Genomic context (GRCh38, chr8:143,925,163, plus strand): 5'-TCCTCCCGCAGCTGTGCCACAGCCACGTGTTCCTCCTGCAGGGAGCGCTCCAGCTGTGCC[G>A]TCTTCTCGGCGAAGGAGGCGCGTTTGCTCTGCAGCTCCGCCTCTGCACTGCGCTGCGCCG-3'
Protein context (NP_958786.1, residues 1579-1599): QSKRASFAEK[Thr1589Met]AQLERSLQEE

ClinVar aggregate classification (germline): Uncertain significance (1 of 4 stars; one submission).

Conditions:
Epidermolysis bullosa simplex with nail dystrophy (EBS5D). Identifiers: MedGen C4225309, MONDO:0014661, OMIM 616487.
Epidermolysis bullosa simplex 5B, with muscular dystrophy (EBS5B). Also called: EPIDERMOLYSIS BULLOSA SIMPLEX AND LIMB-GIRDLE MUSCULAR DYSTROPHY; Epidermolysis bullosa simplex with muscular dystrophy. Identifiers: Orphanet 257, MedGen C2931072, MONDO:0009181, OMIM 226670.
Epidermolysis bullosa simplex 5C, with pyloric atresia (EBS5C). Also called: PLEC-Related Epidermolysis Bullosa with Pyloric Atresia; Epidermolysis bullosa simplex with pyloric atresia; PLEC1-Related Epidermolysis Bullosa with Pyloric Atresia. Identifiers: Orphanet 158684, MedGen C2677349, MONDO:0012807, OMIM 612138.
Autosomal recessive limb-girdle muscular dystrophy type 2Q (LGMDR17). Also called: MUSCULAR DYSTROPHY, LIMB-GIRDLE, AUTOSOMAL RECESSIVE 17. Identifiers: Orphanet 254361, MedGen C3150989, MONDO:0013390, OMIM 613723.
Epidermolysis bullosa simplex, Ogna type (EBS5A). Also called: Pidermolysis bullosa simplex 5A, Ogna type; EPIDERMOLYSIS BULLOSA SIMPLEX 5A, OGNA TYPE. Identifiers: Orphanet 79401, MedGen C0432317, MONDO:0007555, OMIM 131950.

Allele frequency attached by ClinVar (database versions not stated): TOPMed below 0.00001; ExAC 0.00017.
gnomAD v4.1: 18 of 1,560,222 alleles (0.0012%); highest among the groups gnomAD compares: Admixed American, 0.0036%; no homozygotes.

Submission:

Labcorp Genetics (formerly Invitae), Labcorp
Classification: Uncertain significance for Autosomal recessive limb-girdle muscular dystrophy type 2Q; Epidermolysis bullosa simplex, Ogna type; Epidermolysis bullosa simplex with nail dystrophy; Epidermolysis bullosa simplex 5C, with pyloric atresia; Epidermolysis bullosa simplex 5B, with muscular dystrophy. Last evaluated: 2023-06-09. Review status: criteria provided, single submitter. Criteria: Invitae Variant Classification Sherloc (09022015). Collection method: clinical testing. Allele origin: germline.
Comment: In summary, the available evidence is currently insufficient to determine the role of this variant in disease. Therefore, it has been classified as a Variant of Uncertain Significance. Experimental studies and prediction algorithms are not available or were not evaluated, and the functional significance of this variant is currently unknown. This variant has not been reported in the literature in individuals affected with PLEC-related conditions. The frequency data for this variant in the population databases is considered unreliable, as metrics indicate poor data quality at this position in the gnomAD database. This sequence change replaces threonine, which is neutral and polar, with methionine, which is neutral and non-polar, at codon 1616 of the PLEC protein (p.Thr1616Met).